The following is an entry in ClinVar:

NM_001102416.3(KNG1):c.*1404C>T

Gene: KNG1 (kininogen 1; plus strand). Cytogenetic location: 3q27.3.
Variant type: single nucleotide variant.
Coding change: c.*1404C>T on transcript NM_001102416.3 (MANE Select); 1404 bases downstream of the stop codon, C replaced by T.
Molecular consequence: 3 prime UTR variant. On other transcripts: nonsense (2).
Genome position (GRCh38, 1-based): chr3:186,743,735, C>T. VCF-style: chr3-186743735-C-T. GRCh37 (hg19) VCF-style: chr3-186461524-C-T.
Other names: c.1234C>T, p.Arg412Ter (NM_000893.4); c.1126C>T, p.Arg376Ter (NM_001166451.2); short protein forms R412*, R376*.
Identifiers: ClinVar variation 403021 (VCV000403021.7), dbSNP rs76438938, ClinGen allele CA2746575.

ClinVar aggregate classification (germline): Benign. Review status: criteria provided, multiple submitters, no conflicts (2 of 4 stars). 4 submissions from 4 submitters: Benign (4). Last evaluated 2026-08-26.

Conditions:
KNG1-related disorder. Also called: KNG1-related condition.

Allele frequency attached by ClinVar (database versions not stated): gnomAD 0.01796; TOPMed 0.01821; ESP Exome Variant Server 0.02038; 1000 Genomes Project 30x 0.02264; 1000 Genomes Project 0.02416.

Submissions (4):

PreventionGenetics, part of Exact Sciences
Classification: Benign for KNG1-related condition. Last evaluated: 2026-08-26. Review status: criteria provided, single submitter. Criteria: ACMG Guidelines, 2015. Collection method: clinical testing. Allele origin: germline.
Comment: This variant is classified as benign based on ACMG/AMP sequence variant interpretation guidelines (Richards et al. 2015 PMID: 25741868, with internal and published modifications).

Mayo Clinic Laboratories, Mayo Clinic
Classification: Benign. Last evaluated: 2024-03-21. Review status: criteria provided, single submitter. Criteria: ACMG Guidelines, 2015. Collection method: clinical testing. Allele origin: germline. Observed: 26 variant alleles.
Comment: BA1, BS2

Laboratory for Molecular Medicine, Mass General Brigham Personalized Medicine
Classification: Benign. Last evaluated: 2016-03-28. Review status: criteria provided, single submitter. Criteria: LMM Criteria. Collection method: clinical testing. Allele origin: germline.
Comment: Variant identified in a genome or exome case(s) and assessed due to predicted null impact of the variant or pathogenic assertions in the literature or databases. Disclaimer: This variant has not undergone full assessment. The following are preliminary notes: ExAC frequency

Breakthrough Genomics
Classification: Benign. Review status: criteria provided, single submitter. Criteria: ACMG Guidelines, 2015. Collection method: not provided. Allele origin: germline. Inheritance: Autosomal recessive inheritance. Affected: yes.